The following is an entry in ClinVar:

ClinVar aggregate classification (germline): Uncertain significance (1 of 4 stars; one submission).

Submission:

Labcorp Genetics (formerly Invitae), Labcorp
Classification: Uncertain significance. Last evaluated: 2022-04-20. Review status: criteria provided, single submitter. Criteria: Invitae Variant Classification Sherloc (09022015). Collection method: clinical testing. Allele origin: germline.
Comment: In summary, the available evidence is currently insufficient to determine the role of this variant in disease. Therefore, it has been classified as a Variant of Uncertain Significance. Experimental studies are conflicting or provide insufficient evidence to determine the effect of this variant on IL6ST function (PMID: 10811661). Algorithms developed to predict the effect of missense changes on protein structure and function are either unavailable or do not agree on the potential impact of this missense change (SIFT: "Tolerated"; PolyPhen-2: "Probably Damaging"; Align-GVGD: "Class C0"). This variant has not been reported in the literature in individuals affected with IL6ST-related conditions. This variant is not present in population databases (gnomAD no frequency). This sequence change replaces serine, which is neutral and polar, with alanine, which is neutral and non-polar, at codon 782 of the IL6ST protein (p.Ser782Ala).

Literature cited by the submitters: PubMed 10811661.

NM_002184.4(IL6ST):c.2344T>G (p.Ser782Ala)

Gene: IL6ST (interleukin 6 cytokine family signal transducer; minus strand). Cytogenetic location: 5q11.2.
Variant type: single nucleotide variant.
Coding change: c.2344T>G on transcript NM_002184.4 (MANE Select); coding-DNA position 2344, T replaced by G.
Protein change: p.Ser782Ala; replaces serine 782 with alanine.
Molecular consequence: missense variant. On other transcripts: 3 prime UTR variant (1), non-coding transcript variant (2).
Genome position (GRCh38, 1-based): chr5:55,941,495, A>C on the plus strand (T>G on the coding strand, the complement: IL6ST is on the minus strand). VCF-style: chr5-55941495-A-C. GRCh37 (hg19) VCF-style: chr5-55237323-A-C.
Other names: c.2161T>G, p.Ser721Ala (NM_001190981.2); c.2242T>G, p.Ser748Ala (NM_001364275.2); c.2134T>G, p.Ser712Ala (NM_001364276.2); c.1477T>G, p.Ser493Ala (NM_001364277.2); c.1441T>G, p.Ser481Ala (NM_001364278.2); c.1348T>G, p.Ser450Ala (NM_001364279.2); c.*1271T>G (NM_175767.3); short protein forms S493A, S721A, S450A, S481A, S712A, S782A, S748A.
Identifiers: ClinVar variation 2128548 (VCV002128548.4), dbSNP rs2533428968, ClinGen allele CA359778662.
Genomic context (GRCh38, chr5:55,941,495, plus strand): 5'-CATGATCTACTAATTGTAGATCTTCTGGCCGCTCCTCTGAATCTAACAAGGGCTGGGTAG[A>C]CTCGGATCTTGAGAAGACTTGGACTGACGGAACTTGGTGTCTGTAGCCACTGTGTACCAC-3'
Protein context (NP_002175.2, residues 772-792): PSVQVFSRSE[Ser782Ala]TQPLLDSEER